The following is an entry in ClinVar:

ClinVar aggregate classification (germline): Likely benign. Review status: criteria provided, single submitter (1 of 4 stars). 2 submissions from 2 submitters: Likely benign (1). 1 of the submissions does not count toward it. Last evaluated 2025-06-26.

Conditions:
SPTBN4-related disorder. Also called: SPTBN4-related condition.

Allele frequency attached by ClinVar (database versions not stated): TOPMed 0.00003; ExAC 0.00006; gnomAD 0.00002; gnomAD exomes 0.00003.
gnomAD v4.1: 55 of 1,613,790 alleles (0.0034%); highest among the groups gnomAD compares: Non-Finnish European, 0.0043%; no homozygotes.

Submissions (2):

Women's Health and Genetics/Laboratory Corporation of America, LabCorp
Classification: Likely benign. Last evaluated: 2025-06-26. Review status: criteria provided, single submitter. Criteria: LabCorp Variant Classification Summary - May 2015. Collection method: clinical testing. Allele origin: germline.

PreventionGenetics, part of Exact Sciences
Classification: Likely benign for SPTBN4-related condition. Last evaluated: 2019-05-07. Review status: no assertion criteria provided. Collection method: clinical testing. Allele origin: germline. Not counted in ClinVar's aggregate classification.
Comment: This variant is classified as likely benign based on ACMG/AMP sequence variant interpretation guidelines (Richards et al. 2015 PMID: 25741868, with internal and published modifications).

NM_020971.3(SPTBN4):c.42G>A (p.Leu14=)

Gene: SPTBN4 (spectrin beta, non-erythrocytic 4; plus strand). Cytogenetic location: 19q13.2.
Variant type: single nucleotide variant.
Coding change: c.42G>A on transcript NM_020971.3 (MANE Select); coding-DNA position 42, G replaced by A.
Protein change: p.Leu14=; no amino-acid change (leucine 14 retained).
Molecular consequence: synonymous variant.
Genome position (GRCh38, 1-based): chr19:40,472,663, G>A. VCF-style: chr19-40472663-G-A. GRCh37 (hg19) VCF-style: chr19-40978570-G-A.
Identifiers: ClinVar variation 3037728 (VCV003037728.2), dbSNP rs910610977, ClinGen allele CA9445226.
Genomic context (GRCh38, chr19:40,472,663, plus strand): 5'-CCAGGCCTCACCTTCCCCGATGGCGCAGGTACCAGGGGAAGTGGACAACATGGAGGGCCT[G>A]CCTGCTCCTAACAACAACCCTGCTGCCCGCTGGGAGAGTCCGGATCGGGGCTGGGAGCGG-3'
Protein context (NP_066022.2, residues 4-24): VPGEVDNMEG[Leu14=]PAPNNNPAAR